The following is an entry in ClinVar:

ClinVar aggregate classification (germline): Uncertain significance (0 of 4 stars; one submission).

Conditions:
SIM1-related disorder. Also called: SIM1-related condition; SIM1-related disorders.

Submission:

PreventionGenetics, part of Exact Sciences
Classification: Uncertain significance for SIM1-related condition. Last evaluated: 2024-05-15. Review status: no assertion criteria provided. Collection method: clinical testing. Allele origin: germline.
Comment: The SIM1 c.1598_1599dupTG variant is predicted to result in a frameshift and premature protein termination (p.Val534Trpfs*36). To our knowledge, this variant has not been reported in the literature or in a large population database, indicating this variant is rare. Although we suspect that this variant may be pathogenic, at this time, the clinical significance of this variant is uncertain due to the absence of conclusive functional and genetic evidence.

NM_005068.3(SIM1):c.1598_1599dup (p.Val534fs)

Gene: SIM1 (SIM bHLH transcription factor 1; minus strand). Cytogenetic location: 6q16.3.
Variant type: Microsatellite.
Coding change: c.1598_1599dup on transcript NM_005068.3 (MANE Select); coding-DNA positions 1598 to 1599, 2 bases duplicated (TG; older notation c.1598_1599dupTG).
Protein change: p.Val534fs; shifts the reading frame from valine 534.
Molecular consequence: frameshift variant.
Genome position (GRCh38, 1-based): chr6:100,391,063-100,391,064, CA duplicated on the plus strand (TG on the coding strand, the reverse complement: SIM1 is on the minus strand); duplicating any 2 consecutive bases within chr6:100,391,063-100,391,067 gives the same sequence; the c. name uses the placement nearest the transcript's 3' end. VCF-style (leftmost placement, unchanged base first): chr6-100391062-C-CCA. GRCh37 (hg19) VCF-style: chr6-100838938-C-CCA.
Other names: c.1598_1599dup, p.Val534fs (NM_001374769.1); short protein forms V534fs.
Identifiers: ClinVar variation 3345067 (VCV003345067.1).